The following is an entry in ClinVar:

ClinVar aggregate classification (germline): Uncertain significance (1 of 4 stars; one submission).

Conditions:
Neurofibromatosis, type 1 (NF1). Also called: NEUROFIBROMATOSIS, TYPE I, SOMATIC; VON RECKLINGHAUSEN DISEASE; Neurofibromatosis, type I; Peripheral type neurofibromatosis. Identifiers: Orphanet 636, MedGen C0027831, MONDO:0018975, OMIM 162200. Disease mechanism: loss of function.

Submission:

Labcorp Genetics (formerly Invitae), Labcorp
Classification: Uncertain significance for Neurofibromatosis, type 1. Last evaluated: 2025-03-23. Review status: criteria provided, single submitter. Criteria: Invitae Variant Classification Sherloc (09022015). Collection method: clinical testing. Allele origin: germline.
Comment: This sequence change replaces histidine, which is basic and polar, with proline, which is neutral and non-polar, at codon 809 of the NF1 protein (p.His809Pro). This variant is not present in population databases (gnomAD no frequency). This variant has not been reported in the literature in individuals affected with NF1-related conditions. ClinVar contains an entry for this variant (Variation ID: 1353148). Invitae Evidence Modeling of protein sequence and biophysical properties (such as structural, functional, and spatial information, amino acid conservation, physicochemical variation, residue mobility, and thermodynamic stability) indicates that this missense variant is not expected to disrupt NF1 protein function with a negative predictive value of 95%. In summary, the available evidence is currently insufficient to determine the role of this variant in disease. Therefore, it has been classified as a Variant of Uncertain Significance.

NM_001042492.3(NF1):c.2426A>C (p.His809Pro)

Gene: NF1 (neurofibromin 1; plus strand). Cytogenetic location: 17q11.2.
Variant type: single nucleotide variant.
Coding change: c.2426A>C on transcript NM_001042492.3 (MANE Select); coding-DNA position 2426, A replaced by C.
Protein change: p.His809Pro; replaces histidine 809 with proline.
Molecular consequence: missense variant.
Genome position (GRCh38, 1-based): chr17:31,229,041, A>C. VCF-style: chr17-31229041-A-C. GRCh37 (hg19) VCF-style: chr17-29556059-A-C.
Other names: c.2426A>C, p.His809Pro (NM_000267.4); short protein forms H809P.
Identifiers: ClinVar variation 1353148 (VCV001353148.6), dbSNP rs2151428826, ClinGen allele CA398983839.